The following is an entry in ClinVar:

ClinVar aggregate classification (germline): Uncertain significance (1 of 4 stars; one submission).

Conditions:
TH-deficient dopa-responsive dystonia. Also called: Tyrosine Hydroxylase-Deficient Dopa-Responsive Dystonia; Segawa syndrome, autosomal recessive; DYT-TH. Identifiers: Orphanet 101150, MedGen C2673535, MONDO:0011551, OMIM 605407.

Allele frequency attached by ClinVar (database versions not stated): TOPMed below 0.00001.

Submission:

Labcorp Genetics (formerly Invitae), Labcorp
Classification: Uncertain significance for TH-deficient dopa-responsive dystonia. Last evaluated: 2024-02-12. Review status: criteria provided, single submitter. Criteria: Invitae Variant Classification Sherloc (09022015). Collection method: clinical testing. Allele origin: germline.
Comment: This sequence change replaces glutamic acid, which is acidic and polar, with lysine, which is basic and polar, at codon 160 of the TH protein (p.Glu160Lys). The frequency data for this variant in the population databases is considered unreliable, as metrics indicate poor data quality at this position in the gnomAD database. This variant has not been reported in the literature in individuals affected with TH-related conditions. ClinVar contains an entry for this variant (Variation ID: 1422581). Advanced modeling of protein sequence and biophysical properties (such as structural, functional, and spatial information, amino acid conservation, physicochemical variation, residue mobility, and thermodynamic stability) has been performed at Invitae for this missense variant, however the output from this modeling did not meet the statistical confidence thresholds required to predict the impact of this variant on TH protein function. In summary, the available evidence is currently insufficient to determine the role of this variant in disease. Therefore, it has been classified as a Variant of Uncertain Significance.

NM_000360.4(TH):c.385G>A (p.Glu129Lys)

Gene: TH (tyrosine hydroxylase; minus strand). Cytogenetic location: 11p15.5.
Variant type: single nucleotide variant.
Coding change: c.385G>A on transcript NM_000360.4 (MANE Select); coding-DNA position 385, G replaced by A.
Protein change: p.Glu129Lys; replaces glutamic acid 129 with lysine.
Molecular consequence: missense variant.
Genome position (GRCh38, 1-based): chr11:2,168,593, C>T on the plus strand (G>A on the coding strand, the complement: TH is on the minus strand). VCF-style: chr11-2168593-C-T. GRCh37 (hg19) VCF-style: chr11-2189823-C-T.
Other names: c.478G>A, p.Glu160Lys (NM_199292.3); c.466G>A, p.Glu156Lys (NM_199293.3); short protein forms E156K, E160K, E129K.
Identifiers: ClinVar variation 1422581 (VCV001422581.7), dbSNP rs1178215140, ClinGen allele CA379129144.